The following is an entry in ClinVar:

NM_001395656.1(ROBO2):c.1432C>A (p.Gln478Lys)

Gene: ROBO2 (roundabout guidance receptor 2; plus strand). Cytogenetic location: 3p12.3.
Variant type: single nucleotide variant.
Coding change: c.1432C>A on transcript NM_001395656.1 (MANE Select); coding-DNA position 1432, C replaced by A.
Protein change: p.Gln478Lys; replaces glutamine 478 with lysine.
Molecular consequence: missense variant. On other transcripts: 5 prime UTR variant (1).
Genome position (GRCh38, 1-based): chr3:77,558,132, C>A. VCF-style: chr3-77558132-C-A. GRCh37 (hg19) VCF-style: chr3-77607283-C-A.
Other names: c.1468C>A, p.Gln490Lys (NM_001128929.3); c.1432C>A, p.Gln478Lys (NM_001290039.2, NM_001290040.2, NM_001378202.1); c.-499C>A (NM_001290065.2); c.1480C>A, p.Gln494Lys (NM_001378190.1, NM_001378191.1, NM_001378195.1 and 4 more transcripts); c.1501C>A, p.Gln501Lys (NM_001378192.1, NM_001378194.1, NM_001378198.1 and 2 more transcripts); c.1420C>A, p.Gln474Lys (NM_001378193.1, NM_001378197.1, NM_002942.5); c.1489C>A, p.Gln497Lys (NM_001394212.1, NM_001394214.1, NM_001395657.1); short protein forms Q497K, Q474K, Q478K, Q490K, Q501K, Q494K.
Identifiers: ClinVar variation 2601047 (VCV002601047.3), dbSNP rs774652786, ClinGen allele CA2497042.

ClinVar aggregate classification (germline): Uncertain significance. Review status: criteria provided, multiple submitters, no conflicts (2 of 4 stars). 2 submissions from 2 submitters: Uncertain significance (2). Last evaluated 2025-07-13.

Conditions:
Inborn genetic diseases. Identifiers: MedGen C0950123, MeSH D030342.

Allele frequency attached by ClinVar (database versions not stated): ExAC 0.00005; gnomAD 0.00007; TOPMed 0.00009.
gnomAD v4.1: 149 of 1,612,672 alleles (0.0092%); highest among the groups gnomAD compares: Middle Eastern, 0.016%; no homozygotes.

Submissions (2):

Labcorp Genetics (formerly Invitae), Labcorp
Classification: Uncertain significance. Last evaluated: 2025-07-13. Review status: criteria provided, single submitter. Criteria: Invitae Variant Classification Sherloc (09022015). Collection method: clinical testing. Allele origin: germline.
Comment: This sequence change replaces glutamine, which is neutral and polar, with lysine, which is basic and polar, at codon 474 of the ROBO2 protein (p.Gln474Lys). This variant is present in population databases (rs774652786, gnomAD 0.008%). This missense change has been observed in individual(s) with vesicoureterenal reflux (PMID: 34906515). ClinVar contains an entry for this variant (Variation ID: 2601047). Invitae Evidence Modeling of protein sequence and biophysical properties (such as structural, functional, and spatial information, amino acid conservation, physicochemical variation, residue mobility, and thermodynamic stability) indicates that this missense variant is not expected to disrupt ROBO2 protein function with a negative predictive value of 95%. In summary, the available evidence is currently insufficient to determine the role of this variant in disease. Therefore, it has been classified as a Variant of Uncertain Significance.

Ambry Genetics
Classification: Uncertain significance for Inborn genetic diseases. Last evaluated: 2023-06-26. Review status: criteria provided, single submitter. Criteria: Ambry Variant Classification Scheme 2023. Collection method: clinical testing. Allele origin: germline.

Literature cited by the submitters: PubMed 34906515 (cited by Labcorp Genetics (formerly Invitae), Labcorp).